The following is an entry in ClinVar:

ClinVar aggregate classification (germline): Conflicting classifications of pathogenicity. Review status: criteria provided, conflicting classifications (1 of 4 stars). 4 submissions from 4 submitters: Uncertain significance (3); Likely benign (1). Last evaluated 2026-01-16.

Conditions:
Noonan syndrome 9 (NS9). Identifiers: Orphanet 648, MedGen C4225282, MONDO:0014691, OMIM 616559.
SOS2-related disorder. Also called: SOS2-related condition.

Allele frequency attached by ClinVar (database versions not stated): ExAC 0.00001; gnomAD exomes 0.00002 and 0.00001; TOPMed 0.00014; gnomAD 0.00007.
gnomAD v4.1: 33 of 1,588,468 alleles (0.0021%); highest among the groups gnomAD compares: Admixed American, 0.018%; no homozygotes.

Submissions (4):

Labcorp Genetics (formerly Invitae), Labcorp
Classification: Likely benign for Noonan syndrome 9. Last evaluated: 2026-01-16. Review status: criteria provided, single submitter. Criteria: Invitae Variant Classification Sherloc (09022015). Collection method: clinical testing. Allele origin: germline.

Women's Health and Genetics/Laboratory Corporation of America, LabCorp
Classification: Uncertain significance. Last evaluated: 2024-09-08. Review status: criteria provided, single submitter. Criteria: LabCorp Variant Classification Summary - May 2015. Collection method: clinical testing. Allele origin: germline.

PreventionGenetics, part of Exact Sciences
Classification: Uncertain significance for SOS2-related condition. Last evaluated: 2022-08-26. Review status: criteria provided, single submitter. Criteria: ACMG Guidelines, 2015. Collection method: clinical testing. Allele origin: germline.
Comment: The SOS2 c.2758A>G variant is predicted to result in the amino acid substitution p.Ile920Val. To our knowledge, this variant has not been reported in the literature. This variant is reported in 0.010% of alleles in individuals of East Asian descent in gnomAD. At this time, the clinical significance of this variant is uncertain due to the absence of conclusive functional and genetic evidence.

Revvity Omics, Revvity
Classification: Uncertain significance for Noonan syndrome 9. Last evaluated: 2019-08-08. Review status: criteria provided, single submitter. Criteria: ACMG Guidelines, 2015. Collection method: clinical testing. Allele origin: germline.

NM_006939.4(SOS2):c.2758A>G (p.Ile920Val)

Gene: SOS2 (SOS Ras/Rho guanine nucleotide exchange factor 2; minus strand). Cytogenetic location: 14q21.3.
Variant type: single nucleotide variant.
Coding change: c.2758A>G on transcript NM_006939.4 (MANE Select); coding-DNA position 2758, A replaced by G.
Protein change: p.Ile920Val; replaces isoleucine 920 with valine.
Molecular consequence: missense variant.
Genome position (GRCh38, 1-based): chr14:50,139,969, T>C on the plus strand (A>G on the coding strand, the complement: SOS2 is on the minus strand). VCF-style: chr14-50139969-T-C. GRCh37 (hg19) VCF-style: chr14-50606687-T-C.
Other names: c.2758A>G (NM_006939.3); short protein forms I920V.
Identifiers: ClinVar variation 642933 (VCV000642933.13), dbSNP rs755783805, ClinGen allele CA7176958.
Genomic context (GRCh38, chr14:50,139,969, plus strand): 5'-ACCCTCAAAATATATCCATATTTAGTAACTTACCAAAAAAAGGCACACAAGGTGGATTGA[T>C]TGACTTAAGTTTTACTAGGTATTTTTTAAAGTGATCTTGACTTAATTCCACAGCTTCGTC-3'
Protein context (NP_008870.2, residues 910-930): FKKYLVKLKS[Ile920Val]NPPCVPFFGI